The following is an entry in ClinVar:

ClinVar aggregate classification (germline): Pathogenic. Review status: criteria provided, single submitter (1 of 4 stars). 2 submissions from 2 submitters: Pathogenic (1). 1 of the submissions does not count toward it. Last evaluated 2026-01-03.

Conditions:
Tay-Sachs disease (TSD). Also called: HEXA DEFICIENCY; GM2 gangliosidosis, type 1; Hexosaminidase alpha-subunit deficiency (variant B); Sphingolipidosis, Tay-Sachs; Hexosaminidase A Deficiency; HEXA Disorders. Identifiers: Orphanet 845, MedGen C0039373, MONDO:0010100, OMIM 272800.

Allele frequency attached by ClinVar (database versions not stated): TOPMed below 0.00001.

Submissions (2):

Labcorp Genetics (formerly Invitae), Labcorp
Classification: Pathogenic for Tay-Sachs disease. Last evaluated: 2026-01-03. Review status: criteria provided, single submitter. Criteria: Invitae Variant Classification Sherloc (09022015). Collection method: clinical testing. Allele origin: germline.
Comment: This sequence change replaces tyrosine, which is neutral and polar, with histidine, which is basic and polar, at codon 213 of the HEXA protein (p.Tyr213His). This variant is not present in population databases (gnomAD no frequency). This missense change has been observed in individual(s) with Tay-Sachs disease (PMID: 31388111). ClinVar contains an entry for this variant (Variation ID: 375355). Invitae Evidence Modeling of protein sequence and biophysical properties (such as structural, functional, and spatial information, amino acid conservation, physicochemical variation, residue mobility, and thermodynamic stability) indicates that this missense variant is expected to disrupt HEXA protein function with a positive predictive value of 95%. For these reasons, this variant has been classified as Pathogenic.

Foundation for Research in Genetics and Endocrinology, FRIGE's Institute of Human Genetics
Classification: Likely pathogenic for Tay-Sachs disease. Last evaluated: 2014-11-17. Review status: no assertion criteria provided. Collection method: research. Allele origin: germline. Inheritance: Autosomal recessive inheritance. Affected: yes. Observed: 1 homozygote. Not counted in ClinVar's aggregate classification.
Comment: Variant was found to be pathogenic by online software Mutation Taster, SIFT and Plypehn2

Literature cited by the submitters: PubMed 31388111 (cited by Labcorp Genetics (formerly Invitae), Labcorp).

NM_000520.6(HEXA):c.637T>C (p.Tyr213His)

Gene: HEXA (hexosaminidase subunit alpha; minus strand). Cytogenetic location: 15q23.
Variant type: single nucleotide variant.
Coding change: c.637T>C on transcript NM_000520.6 (MANE Select); coding-DNA position 637, T replaced by C.
Protein change: p.Tyr213His; replaces tyrosine 213 with histidine.
Molecular consequence: missense variant. On other transcripts: non-coding transcript variant (1).
Genome position (GRCh38, 1-based): chr15:72,351,168, A>G on the plus strand (T>C on the coding strand, the complement: HEXA is on the minus strand). VCF-style: chr15-72351168-A-G. GRCh37 (hg19) VCF-style: chr15-72643509-A-G.
Other names: c.670T>C, p.Tyr224His (NM_001318825.2); short protein forms Y213H, Y224H.
Identifiers: ClinVar variation 375355 (VCV000375355.6), dbSNP rs1057519461, ClinGen allele CA16044206.
Genomic context (GRCh38, chr15:72,351,168, plus strand): 5'-TGGTCTGAGTGAAACGGGAACATACCTTTCTCATGAGCTCTGGAAAAGTGAAGCTCTCAT[A>G]TGGGAAGGAAGGATCATCTACCAGATGCCAGTGGAACACGTTCAATTTATTGTACGCCAT-3'
Protein context (NP_000511.2, residues 203-223): WHLVDDPSFP[Tyr213His]ESFTFPELMR